The following is an entry in ClinVar:

NM_001142966.3(GREB1L):c.3983G>A (p.Gly1328Asp)

Gene: GREB1L (GREB1 like retinoic acid receptor coactivator; plus strand). Cytogenetic location: 18q11.2.
Variant type: single nucleotide variant.
Coding change: c.3983G>A on transcript NM_001142966.3 (MANE Select); coding-DNA position 3983, G replaced by A.
Protein change: p.Gly1328Asp; replaces glycine 1328 with aspartic acid.
Molecular consequence: missense variant.
Genome position (GRCh38, 1-based): chr18:21,500,553, G>A. VCF-style: chr18-21500553-G-A. GRCh37 (hg19) VCF-style: chr18-19080514-G-A.
Other names: short protein forms G1328D.
Identifiers: ClinVar variation 917907 (VCV000917907.1), dbSNP rs1176010371, ClinGen allele CA401753581.

ClinVar aggregate classification (germline): Uncertain significance (1 of 4 stars; one submission).

Conditions:
Renal hypodysplasia/aplasia 3 (RHDA3). Identifiers: MedGen C4540497, MONDO:0024520, OMIM 617805.
Mayer-Rokitansky-Kuster-Hauser syndrome (CAUV). Also called: CONGENITAL ABSENCE OF UTERUS AND VAGINA; MULLERIAN APLASIA/DYSGENESIS; Mayer-Rokitansky-Küster-Hauser syndrome; Rokitansky sequence. Identifiers: Orphanet 247775, Orphanet 3109, MedGen C0431648, MONDO:0017771.

Allele frequency attached by ClinVar (database versions not stated): TOPMed below 0.00001; gnomAD 0.00001.
gnomAD v4.1: 3 of 1,549,580 alleles (0.00019%); highest among the groups gnomAD compares: African/African-American, 0.0014%; no homozygotes.

Submission:

Human Genetic Laboratory, University of Liege
Classification: Uncertain significance for Renal hypodysplasia/aplasia 3; Mayer Rokitansky Kuster Hauser syndrome type 1. Last evaluated: 2020-02-20. Review status: criteria provided, single submitter. Criteria: ACMG Guidelines, 2015. Collection method: research. Allele origin: unknown. Inheritance: Autosomal unknown. Affected: yes. Observed: 1 heterozygote.
Comment: This is a novel missense variant is in GREB1L, a gene previously associated with renal and uterine malformations in human. This missense variant is not reported in Gnomad. The variant affects a highly conserved amino acid and nucleotide and multiple in silico tools predict a deleterious effect on the protein function. Sequencing was not performed in the parents.